The following is an entry in ClinVar:

NM_002858.4(ABCD3):c.712G>A (p.Val238Ile)

Gene: ABCD3 (ATP binding cassette subfamily D member 3; plus strand). Cytogenetic location: 1p21.3.
Variant type: single nucleotide variant.
Coding change: c.712G>A on transcript NM_002858.4 (MANE Select); coding-DNA position 712, G replaced by A.
Protein change: p.Val238Ile; replaces valine 238 with isoleucine.
Molecular consequence: missense variant.
Genome position (GRCh38, 1-based): chr1:94,480,491, G>A. VCF-style: chr1-94480491-G-A. GRCh37 (hg19) VCF-style: chr1-94946047-G-A.
Other names: short protein forms V238I.
Identifiers: ClinVar variation 4138041 (VCV004138041.2).
Genomic context (GRCh38, chr1:94,480,491, plus strand): 5'-ACTTTGTGTATCTTTCTCTCCCAATAATAATAGGGCCCAGCGAGCATGATGGCCTACTTG[G>A]TTGTTTCTGGGCTATTCCTAACTCGACTTCGAAGACCCATTGGTAAGATGACAATAACTG-3'
Protein context (NP_002849.1, residues 228-248): QGPASMMAYL[Val238Ile]VSGLFLTRLR

ClinVar aggregate classification (germline): Uncertain significance. Review status: criteria provided, multiple submitters, no conflicts (2 of 4 stars). 2 submissions from 2 submitters: Uncertain significance (2). Last evaluated 2025-08-06.

gnomAD v4.1: 2 of 1,613,860 alleles (0.00012%); highest among the groups gnomAD compares: Non-Finnish European, 0.00017%; no homozygotes.

Submissions (2):

Labcorp Genetics (formerly Invitae), Labcorp
Classification: Uncertain significance. Last evaluated: 2025-08-06. Review status: criteria provided, single submitter. Criteria: Invitae Variant Classification Sherloc (09022015). Collection method: clinical testing. Allele origin: germline.
Comment: This sequence change replaces valine, which is neutral and non-polar, with isoleucine, which is neutral and non-polar, at codon 238 of the ABCD3 protein (p.Val238Ile). This variant is not present in population databases (gnomAD no frequency). This variant has not been reported in the literature in individuals affected with ABCD3-related conditions. An algorithm developed to predict the effect of missense changes on protein structure and function outputs the following: PolyPhen-2: "Benign". The isoleucine amino acid residue is found in multiple mammalian species, which suggests that this missense change does not adversely affect protein function. In summary, the available evidence is currently insufficient to determine the role of this variant in disease. Therefore, it has been classified as a Variant of Uncertain Significance.

Ambry Genetics
Classification: Uncertain significance. Last evaluated: 2025-06-23. Review status: criteria provided, single submitter. Criteria: Ambry Variant Classification Scheme 2023. Collection method: clinical testing. Allele origin: germline.